The following is an entry in ClinVar:

NM_001110556.2(FLNA):c.4715C>G (p.Ala1572Gly)

Gene: FLNA (filamin A; minus strand). Cytogenetic location: Xq28.
Variant type: single nucleotide variant.
Coding change: c.4715C>G on transcript NM_001110556.2 (MANE Select); coding-DNA position 4715, C replaced by G.
Protein change: p.Ala1572Gly; replaces alanine 1572 with glycine.
Molecular consequence: missense variant.
Genome position (GRCh38, 1-based): chrX:154,358,239, G>C on the plus strand (C>G on the coding strand, the complement: FLNA is on the minus strand). VCF-style: chrX-154358239-G-C. GRCh37 (hg19) VCF-style: chrX-153586607-G-C.
Other names: c.4715C>G, p.Ala1572Gly (NM_001456.4); short protein forms A1572G.
Identifiers: ClinVar variation 1720726 (VCV001720726.6), dbSNP rs2522734978, ClinGen allele CA415214657.
Genomic context (GRCh38, chrX:154,358,239, plus strand): 5'-TGCCTGTGCCCGGAGCTCACCGTGATCTGGACAGCCAGCAGGCCCTCCCCGGCGTCCTTT[G>C]CATCGATGGTGAACTCCACGGGCAGGCTGGCAGGCACGCCAGTGGTGTTGAGCCCGGGGC-3'
Protein context (NP_001104026.1, residues 1562-1582): ASLPVEFTID[Ala1572Gly]KDAGEGLLAV

ClinVar aggregate classification (germline): Uncertain significance (1 of 4 stars; one submission).

Conditions:
Melnick-Needles syndrome (MNS). Also called: MELNICK-NEEDLES OSTEODYSPLASTY; OSTEODYSPLASTY OF MELNICK AND NEEDLES; Melnick-Needles Syndrome (FLNA-MNS). Identifiers: Orphanet 2484, MedGen C0025237, MONDO:0010650, OMIM 309350.
Heterotopia, periventricular, X-linked dominant (PVNH1). Also called: PERIVENTRICULAR NODULAR HETEROTOPIA 1; X-linked periventricular heterotopia; HETEROTOPIA, PERIVENTRICULAR, 1; PERIVENTRICULAR NODULAR HETEROTOPIA 4. Identifiers: Orphanet 2149, Orphanet 82004, MedGen C1848213, MONDO:0010233, OMIM 300049.
Oto-palato-digital syndrome, type II (OPD2). Also called: OPD II SYNDROME; Otopalatodigital Syndrome, Type II; FACIOPALATOOSSEOUS SYNDROME; Otopalatodigital Syndrome Type 2 (FLNA-OPD2). Identifiers: Orphanet 669, Orphanet 90652, MedGen C1844696, MONDO:0010571, OMIM 304120.
Frontometaphyseal dysplasia (FMD1). Identifiers: Orphanet 1826, MedGen C0265293, MONDO:0015942.

Submission:

Labcorp Genetics (formerly Invitae), Labcorp
Classification: Uncertain significance for Oto-palato-digital syndrome, type II; Heterotopia, periventricular, X-linked dominant; Frontometaphyseal dysplasia; Melnick-Needles syndrome. Last evaluated: 2022-09-30. Review status: criteria provided, single submitter. Criteria: Invitae Variant Classification Sherloc (09022015). Collection method: clinical testing. Allele origin: germline.
Comment: In summary, the available evidence is currently insufficient to determine the role of this variant in disease. Therefore, it has been classified as a Variant of Uncertain Significance. Advanced modeling of protein sequence and biophysical properties (such as structural, functional, and spatial information, amino acid conservation, physicochemical variation, residue mobility, and thermodynamic stability) performed at Invitae indicates that this missense variant is not expected to disrupt FLNA protein function. This variant has not been reported in the literature in individuals affected with FLNA-related conditions. This variant is not present in population databases (gnomAD no frequency). This sequence change replaces alanine, which is neutral and non-polar, with glycine, which is neutral and non-polar, at codon 1572 of the FLNA protein (p.Ala1572Gly).